The following is an entry in ClinVar:

ClinVar aggregate classification (germline): Uncertain significance (1 of 4 stars; one submission).

Submission:

Labcorp Genetics (formerly Invitae), Labcorp
Classification: Uncertain significance. Last evaluated: 2021-07-17. Review status: criteria provided, single submitter. Criteria: Invitae Variant Classification Sherloc (09022015). Collection method: clinical testing. Allele origin: germline.
Comment: This sequence change replaces lysine with glutamic acid at codon 1246 of the ADCY5 protein (p.Lys1246Glu). The lysine residue is highly conserved and there is a small physicochemical difference between lysine and glutamic acid. This variant is not present in population databases (ExAC no frequency). This variant has not been reported in the literature in individuals affected with ADCY5-related conditions. Advanced modeling of protein sequence and biophysical properties (such as structural, functional, and spatial information, amino acid conservation, physicochemical variation, residue mobility, and thermodynamic stability) performed at Invitae indicates that this missense variant is expected to disrupt ADCY5 protein function. In summary, the available evidence is currently insufficient to determine the role of this variant in disease. Therefore, it has been classified as a Variant of Uncertain Significance.

NM_183357.3(ADCY5):c.3736A>G (p.Lys1246Glu)

Gene: ADCY5 (adenylate cyclase 5; minus strand). Cytogenetic location: 3q21.1.
Variant type: single nucleotide variant.
Coding change: c.3736A>G on transcript NM_183357.3 (MANE Select); coding-DNA position 3736, A replaced by G.
Protein change: p.Lys1246Glu; replaces lysine 1246 with glutamic acid.
Molecular consequence: missense variant.
Genome position (GRCh38, 1-based): chr3:123,284,658, T>C on the plus strand (A>G on the coding strand, the complement: ADCY5 is on the minus strand). VCF-style: chr3-123284658-T-C. GRCh37 (hg19) VCF-style: chr3-123003505-T-C.
Other names: c.2686A>G, p.Lys896Glu (NM_001199642.1); c.3811A>G, p.Lys1271Glu (NM_001378259.1); short protein forms K1246E, K896E, K1271E.
Identifiers: ClinVar variation 1519742 (VCV001519742.8), dbSNP rs1553715767, ClinGen allele CA354221935.
Genomic context (GRCh38, chr3:123,284,658, plus strand): 5'-CCAACAGCTGCTAACTGAGCGGGGGCCCTCCATTGAGGAAGTAGGTCATCATCTCGCCTT[T>C]GCCCTTGACCTTGACCACGCCCCGGCACTCCAGCTGGTACGTGTTGGCAGCCAGCACCTG-3'
Protein context (NP_899200.1, residues 1236-1256): ECRGVVKVKG[Lys1246Glu]GEMMTYFLNG